The following is an entry in ClinVar:

ClinVar aggregate classification (germline): Uncertain significance (1 of 4 stars; one submission).

Conditions:
Supravalvar aortic stenosis (SVAS). Also called: Supravalvar aortic stenosis, Eisenberg type. Identifiers: Orphanet 3193, MedGen C0003499, MONDO:0008504, OMIM 185500, HP:0004381.

gnomAD v4.1: 2 of 1,610,992 alleles (0.00012%); highest among the groups gnomAD compares: Non-Finnish European, 0.00017%; no homozygotes.

Submission:

Labcorp Genetics (formerly Invitae), Labcorp
Classification: Uncertain significance for Supravalvar aortic stenosis. Last evaluated: 2024-10-13. Review status: criteria provided, single submitter. Criteria: Invitae Variant Classification Sherloc (09022015). Collection method: clinical testing. Allele origin: germline.
Comment: This sequence change replaces arginine, which is basic and polar, with glutamine, which is neutral and polar, at codon 10 of the ELN protein (p.Arg10Gln). This variant is not present in population databases (gnomAD no frequency). This variant has not been reported in the literature in individuals affected with ELN-related conditions. Invitae Evidence Modeling of protein sequence and biophysical properties (such as structural, functional, and spatial information, amino acid conservation, physicochemical variation, residue mobility, and thermodynamic stability) indicates that this missense variant is not expected to disrupt ELN protein function with a negative predictive value of 80%. In summary, the available evidence is currently insufficient to determine the role of this variant in disease. Therefore, it has been classified as a Variant of Uncertain Significance.

NM_000501.4(ELN):c.29G>A (p.Arg10Gln)

Gene: ELN (elastin; plus strand). Cytogenetic location: 7q11.23.
Variant type: single nucleotide variant.
Coding change: c.29G>A on transcript NM_000501.4 (MANE Select); coding-DNA position 29, G replaced by A.
Protein change: p.Arg10Gln; replaces arginine 10 with glutamine.
Molecular consequence: missense variant.
Genome position (GRCh38, 1-based): chr7:74,028,216, G>A. VCF-style: chr7-74028216-G-A. GRCh37 (hg19) VCF-style: chr7-73442546-G-A.
Other names: c.29G>A, p.Arg10Gln (NM_001081752.3, NM_001081753.3, NM_001081754.3 and 9 more transcripts); short protein forms R10Q.
Identifiers: ClinVar variation 3720344 (VCV003720344.2).